The following is an entry in ClinVar:

ClinVar aggregate classification (germline): Pathogenic (1 of 4 stars; one submission).

Conditions:
Familial thoracic aortic aneurysm and aortic dissection (TAAD). Also called: Thoracic aortic aneurysms and dissections. Identifiers: Orphanet 91387, MedGen C4707243, MONDO:0019625.
Marfan syndrome (MFS). Also called: Marfan syndrome type 1; Marfan syndrome, classic; Marfan's syndrome; FBN1-Related Marfan Syndrome; MARFAN SYNDROME, TYPE I. Identifiers: Orphanet 284963, Orphanet 558, MedGen C0024796, MONDO:0007947, OMIM 154700.

Submission:

Labcorp Genetics (formerly Invitae), Labcorp
Classification: Pathogenic for Marfan syndrome; Familial thoracic aortic aneurysm and aortic dissection. Last evaluated: 2017-09-29. Review status: criteria provided, single submitter. Criteria: Invitae Variant Classification Sherloc (09022015). Collection method: clinical testing. Allele origin: germline.
Comment: This variant is an out-of-frame deletion of the genomic region encompassing exons 3-4 of the FBN1 gene. This is expected to create a premature translational stop signal and result in an absent or disrupted protein product. This variant has not been reported in the literature in individuals with FBN1-related disease. Loss-of-function variants in FBN1 are known to be pathogenic (PMID: 17657824, 19293843). For these reasons, this variant has been classified as Pathogenic.

NC_000015.10:g.(?_48610708)_(48613112_?)del

Gene: FBN1 (fibrillin 1; minus strand). Cytogenetic location: 15q21.1.
Variant type: Deletion.
Identifiers: ClinVar variation 527237 (VCV000527237.1).